The following is an entry in ClinVar:

NM_000202.8(IDS):c.694T>A (p.Phe232Ile)

Genes: IDS (iduronate 2-sulfatase; minus strand), LOC106050102 (IDS recombination region; plus strand). Cytogenetic location: Xq28.
Variant type: single nucleotide variant.
Coding change: c.694T>A on transcript NM_000202.8 (MANE Select); coding-DNA position 694, T replaced by A.
Protein change: p.Phe232Ile; replaces phenylalanine 232 with isoleucine.
Molecular consequence: missense variant. On other transcripts: non-coding transcript variant (1).
Genome position (GRCh38, 1-based): chrX:149,498,121, A>T on the plus strand (T>A on the coding strand, the complement: IDS is on the minus strand). VCF-style: chrX-149498121-A-T. GRCh37 (hg19) VCF-style: chrX-148579652-A-T.
Other names: c.424T>A, p.Phe142Ile (NM_001166550.4); c.694T>A, p.Phe232Ile (NM_006123.5); c.694T>A (NM_000202.7); short protein forms F142I, F232I.
Identifiers: ClinVar variation 3681923 (VCV003681923.3).

ClinVar aggregate classification (germline): Uncertain significance. Review status: criteria provided, single submitter (1 of 4 stars). 2 submissions from 2 submitters: Uncertain significance (1). 1 of the submissions does not count toward it. Last evaluated 2024-02-13.

Conditions:
Mucopolysaccharidosis, MPS-III-A (MPS3A). Also called: HEPARAN SULFATE SULFATASE DEFICIENCY; SANFILIPPO SYNDROME A; SULFAMIDASE DEFICIENCY; MPS III A; Mucopolysaccharidosis type IIIA (Sanfilippo A); Mucopolysaccharidosis, type IIIA. Identifiers: Orphanet 581, Orphanet 79269, MedGen C0086647, MONDO:0009655, OMIM 252900.
Mucopolysaccharidosis, MPS-II (MPS2). Also called: Attenuated MPS (subtype; formerly known as mild MPS II); Severe MPS II; I2S deficiency; MPS 2; Hunter Syndrome; IDURONATE 2-SULFATASE DEFICIENCY. Identifiers: Orphanet 580, Orphanet 79388, MedGen C0026705, MONDO:0010674, OMIM 309900.

Submissions (2):

Labcorp Genetics (formerly Invitae), Labcorp
Classification: Uncertain significance for Mucopolysaccharidosis, MPS-II. Last evaluated: 2024-02-13. Review status: criteria provided, single submitter. Criteria: Invitae Variant Classification Sherloc (09022015). Collection method: clinical testing. Allele origin: germline.
Comment: This sequence change replaces phenylalanine, which is neutral and non-polar, with isoleucine, which is neutral and non-polar, at codon 232 of the IDS protein (p.Phe232Ile). This variant is not present in population databases (gnomAD no frequency). This variant has not been reported in the literature in individuals affected with IDS-related conditions. Advanced modeling of protein sequence and biophysical properties (such as structural, functional, and spatial information, amino acid conservation, physicochemical variation, residue mobility, and thermodynamic stability) performed at Invitae indicates that this missense variant is expected to disrupt IDS protein function with a positive predictive value of 80%. In summary, the available evidence is currently insufficient to determine the role of this variant in disease. Therefore, it has been classified as a Variant of Uncertain Significance.

Natera, Inc.
Classification: Uncertain significance for Mucopolysaccharidosis type IIIA. Last evaluated: 2025-04-21. Review status: no assertion criteria provided. Collection method: clinical testing. Allele origin: germline. Not counted in ClinVar's aggregate classification.